The following is an entry in ClinVar:

ClinVar aggregate classification (germline): Uncertain significance (1 of 4 stars; one submission).

Submission:

Labcorp Genetics (formerly Invitae), Labcorp
Classification: Uncertain significance. Last evaluated: 2025-12-08. Review status: criteria provided, single submitter. Criteria: Invitae Variant Classification Sherloc (09022015). Collection method: clinical testing. Allele origin: germline.
Comment: This sequence change replaces tryptophan, which is neutral and slightly polar, with leucine, which is neutral and non-polar, at codon 1012 of the ADAMTS10 protein (p.Trp1012Leu). This variant is not present in population databases (gnomAD no frequency). This variant has not been reported in the literature in individuals affected with ADAMTS10-related conditions. An algorithm developed to predict the effect of missense changes on protein structure and function (PolyPhen-2) suggests that this variant is likely to be disruptive. In summary, the available evidence is currently insufficient to determine the role of this variant in disease. Therefore, it has been classified as a Variant of Uncertain Significance.

NM_030957.4(ADAMTS10):c.3035G>T (p.Trp1012Leu)

Gene: ADAMTS10 (ADAM metallopeptidase with thrombospondin type 1 motif 10; minus strand). Cytogenetic location: 19p13.2.
Variant type: single nucleotide variant.
Coding change: c.3035G>T on transcript NM_030957.4 (MANE Select); coding-DNA position 3035, G replaced by T.
Protein change: p.Trp1012Leu; replaces tryptophan 1012 with leucine.
Molecular consequence: missense variant.
Genome position (GRCh38, 1-based): chr19:8,585,139, C>A on the plus strand (G>T on the coding strand, the complement: ADAMTS10 is on the minus strand). VCF-style: chr19-8585139-C-A. GRCh37 (hg19) VCF-style: chr19-8650023-C-A.
Other names: c.1496G>T, p.Trp499Leu (NM_001282352.2); short protein forms W499L, W1012L.
Identifiers: ClinVar variation 4719681 (VCV004719681.1).